The following is an entry in ClinVar:

ClinVar aggregate classification (germline): Uncertain significance (1 of 4 stars; one submission).

Conditions:
PHOX2B-related disorder. Also called: PHOX2B-related condition.

Submission:

PreventionGenetics, part of Exact Sciences
Classification: Uncertain significance for PHOX2B-related condition. Last evaluated: 2026-07-09. Review status: criteria provided, single submitter. Criteria: ACMG Guidelines, 2015. Collection method: clinical testing. Allele origin: germline.
Comment: The PHOX2B c.350T>C variant is predicted to result in the amino acid substitution p.Phe117Ser. To our knowledge, this variant has not been reported in the literature or in a large population database (gnomAD), indicating this variant is rare. At this time, the clinical significance of this variant is uncertain due to the absence of conclusive functional and genetic evidence.

NM_003924.4(PHOX2B):c.350T>C (p.Phe117Ser)

Gene: PHOX2B (paired like homeobox 2B; minus strand). Cytogenetic location: 4p13.
Variant type: single nucleotide variant.
Coding change: c.350T>C on transcript NM_003924.4 (MANE Select); coding-DNA position 350, T replaced by C.
Protein change: p.Phe117Ser; replaces phenylalanine 117 with serine.
Molecular consequence: missense variant.
Genome position (GRCh38, 1-based): chr4:41,747,428, A>G on the plus strand (T>C on the coding strand, the complement: PHOX2B is on the minus strand). VCF-style: chr4-41747428-A-G. GRCh37 (hg19) VCF-style: chr4-41749445-A-G.
Other names: short protein forms F117S.
Identifiers: ClinVar variation 4992191 (VCV004992191.1).
Genomic context (GRCh38, chr4:41,747,428, plus strand): 5'-AGGTCGATCTTCAGGGCCAGCTCCTCCCGAGTGTAGATGTCGGGGTAGTGAGTCTCCGCG[A>G]AGACCCTTTCCAGCTCTTTGAGCTGGGCACTGGTGAAAGTGGTGCGGATGCGCCGCTGCT-3'
Protein context (NP_003915.2, residues 107-127): SAQLKELERV[Phe117Ser]AETHYPDIYT